The following is an entry in ClinVar:

ClinVar aggregate classification (germline): Conflicting classifications of pathogenicity. Review status: criteria provided, conflicting classifications (1 of 4 stars). 4 submissions from 4 submitters: Uncertain significance (3); Likely benign (1). Last evaluated 2026-01-01.

Conditions:
Inborn genetic diseases. Identifiers: MedGen C0950123, MeSH D030342.
Episodic ataxia type 2 (EA2). Also called: CEREBELLAR ATAXIA, PAROXYSMAL, ACETAZOLAMIDE-RESPONSIVE; CEREBELLOPATHY, HEREDITARY PAROXYSMAL; EPISODIC ATAXIA, NYSTAGMUS-ASSOCIATED; ACETAZOLAMIDE-RESPONSIVE HEREDITARY PAROXYSMAL CEREBELLAR ATAXIA; ATAXIA, EPISODIC, WITH NYSTAGMUS; ATAXIA, FAMILIAL PAROXYSMAL. Identifiers: Orphanet 97, MedGen C1720416, MONDO:0007163, OMIM 108500.
Developmental and epileptic encephalopathy, 42 (DEE42A). Also called: Epileptic encephalopathy, early infantile, 42; DEVELOPMENTAL AND EPILEPTIC ENCEPHALOPATHY 42A; EPILEPTIC ENCEPHALOPATHY, EARLY INFANTILE, 42A. Identifiers: MedGen C4310716, MONDO:0014917, OMIM 617106.

Allele frequency attached by ClinVar (database versions not stated): gnomAD exomes 0.00001; ExAC 0.00002.
gnomAD v4.1: 3 of 1,613,904 alleles (0.00019%); highest among the groups gnomAD compares: Admixed American, 0.0017%; no homozygotes.

Submissions (4):

CeGaT Center for Human Genetics Tuebingen
Classification: Uncertain significance. Last evaluated: 2026-01-01. Review status: criteria provided, single submitter. Criteria: CeGaT Center For Human Genetics Tuebingen Variant Classification Criteria Version 2. Collection method: clinical testing. Allele origin: germline. Affected: yes. Observed: 2 variant alleles.
Comment: CACNA1A: PM2, PP2

Labcorp Genetics (formerly Invitae), Labcorp
Classification: Likely benign for Developmental and epileptic encephalopathy, 42; Episodic ataxia type 2. Last evaluated: 2025-05-26. Review status: criteria provided, single submitter. Criteria: Invitae Variant Classification Sherloc (09022015). Collection method: clinical testing. Allele origin: germline.

GeneDx
Classification: Uncertain significance. Last evaluated: 2023-05-18. Review status: criteria provided, single submitter. Criteria: GeneDx Variant Classification Process June 2021. Collection method: clinical testing. Allele origin: germline. Affected: yes.
Comment: Not observed at significant frequency in large population cohorts (gnomAD); In silico analysis supports that this missense variant has a deleterious effect on protein structure/function; Has not been previously published as pathogenic or benign to our knowledge; This variant is associated with the following publications: (PMID: 29991641)

Ambry Genetics
Classification: Uncertain significance for Inborn genetic diseases. Last evaluated: 2021-09-17. Review status: criteria provided, single submitter. Criteria: Ambry Variant Classification Scheme 2023. Collection method: clinical testing. Allele origin: germline.

NM_001127222.2(CACNA1A):c.3700C>T (p.Arg1234Cys)

Gene: CACNA1A (calcium voltage-gated channel subunit alpha1 A; minus strand). Cytogenetic location: 19p13.13.
Variant type: single nucleotide variant.
Coding change: c.3700C>T on transcript NM_001127222.2 (MANE Select); coding-DNA position 3700, C replaced by T.
Protein change: p.Arg1234Cys; replaces arginine 1234 with cysteine.
Molecular consequence: missense variant.
Genome position (GRCh38, 1-based): chr19:13,283,389, G>A on the plus strand (C>T on the coding strand, the complement: CACNA1A is on the minus strand). VCF-style: chr19-13283389-G-A. GRCh37 (hg19) VCF-style: chr19-13394203-G-A.
Other names: c.3712C>T, p.Arg1238Cys (NM_023035.3, NM_000068.4); c.3703C>T, p.Arg1235Cys (NM_001127221.2, NM_001174080.2); c.3703C>T (NM_001127221.1); short protein forms R1238C, R1235C, R1234C.
Identifiers: ClinVar variation 1038873 (VCV001038873.29), dbSNP rs781738239, ClinGen allele CA9240206.